The following is an entry in ClinVar:

ClinVar aggregate classification (germline): Uncertain significance (1 of 4 stars; one submission).

Submission:

Labcorp Genetics (formerly Invitae), Labcorp
Classification: Uncertain significance. Last evaluated: 2024-07-19. Review status: criteria provided, single submitter. Criteria: Invitae Variant Classification Sherloc (09022015). Collection method: clinical testing. Allele origin: germline.
Comment: This sequence change falls in intron 5 of the KMT2B gene. It does not directly change the encoded amino acid sequence of the KMT2B protein. It affects a nucleotide within the consensus splice site. This variant is not present in population databases (gnomAD no frequency). This variant has not been reported in the literature in individuals affected with KMT2B-related conditions. Variants that disrupt the consensus splice site are a relatively common cause of aberrant splicing (PMID: 17576681, 9536098). Algorithms developed to predict the effect of sequence changes on RNA splicing suggest that this variant may disrupt the consensus splice site. In summary, the available evidence is currently insufficient to determine the role of this variant in disease. Therefore, it has been classified as a Variant of Uncertain Significance.

Literature cited by the submitters: PubMed 17576681; PubMed 9536098.

NM_014727.3(KMT2B):c.2722+3A>G

Gene: KMT2B (lysine methyltransferase 2B; plus strand). Cytogenetic location: 19q13.12.
Variant type: single nucleotide variant.
Coding change: c.2722+3A>G on transcript NM_014727.3 (MANE Select); 3 bases into the intron after coding-DNA position 2722, A replaced by G.
Molecular consequence: intron variant.
Genome position (GRCh38, 1-based): chr19:35,722,721, A>G. VCF-style: chr19-35722721-A-G. GRCh37 (hg19) VCF-style: chr19-36213623-A-G.
Identifiers: ClinVar variation 3701219 (VCV003701219.2).
Genomic context (GRCh38, chr19:35,722,721, plus strand): 5'-GATGTCCCTCGCCTCAGTGCCCTCCCTCTCCGGGATCGGCAGGACCTCGCCACAGAGGGT[A>G]GGTGGGGAGACTGGACAGCCATGTCAGGTTTGGGGATGACCCCACACTTGGGTGACATGC-3'